The following is an entry in ClinVar:

NM_001006681.2(SPIN2B):c.210A>C (p.Gly70=)

Gene: SPIN2B (spindlin family member 2B; minus strand). Cytogenetic location: Xp11.21.
Variant type: single nucleotide variant.
Coding change: c.210A>C on transcript NM_001006681.2 (MANE Select); coding-DNA position 210, A replaced by C.
Protein change: p.Gly70=; no amino-acid change (glycine 70 retained).
Molecular consequence: synonymous variant.
Genome position (GRCh38, 1-based): chrX:57,120,420, T>G on the plus strand (A>C on the coding strand, the complement: SPIN2B is on the minus strand). VCF-style: chrX-57120420-T-G. GRCh37 (hg19) VCF-style: chrX-57146853-T-G.
Other names: c.210A>C, p.Gly70= (NM_001006682.2, NM_001006683.2, NM_001282461.2 and 1 more transcripts).
Identifiers: ClinVar variation 2660712 (VCV002660712.24), dbSNP rs2519394571, ClinGen allele CA516702258.
Genomic context (GRCh38, chrX:57,120,420, plus strand): 5'-AATTCCATCATATTTCACCAGATAAAGAGAGGGATTTATAGGCACCTGATCCAGAACGGT[T>G]CCTTTCCACTGCGTGATGGGCTCATCTCCTTCCTTCCATCCATGAGAAATTCTGCAGCCC-3'
Protein context (NP_001006682.1, residues 60-80): EGDEPITQWK[Gly70=]TVLDQVPINP

ClinVar aggregate classification (germline): Likely benign (1 of 4 stars; one submission).

Submission:

CeGaT Center for Human Genetics Tuebingen
Classification: Likely benign. Last evaluated: 2022-10-01. Review status: criteria provided, single submitter. Criteria: CeGaT Center For Human Genetics Tuebingen Variant Classification Criteria Version 2. Collection method: clinical testing. Allele origin: germline. Affected: yes. Observed: 1 variant allele.
Comment: SPIN2B: PM2:Supporting, BP4, BP7